The following is an entry in ClinVar:

NM_078470.6(COX15):c.469C>T (p.Arg157Cys)

Gene: COX15 (cytochrome c oxidase assembly factor COX15; minus strand). Cytogenetic location: 10q24.2.
Variant type: single nucleotide variant.
Coding change: c.469C>T on transcript NM_078470.6 (MANE Select); coding-DNA position 469, C replaced by T.
Protein change: p.Arg157Cys; replaces arginine 157 with cysteine.
Molecular consequence: missense variant. On other transcripts: intron variant (1).
Genome position (GRCh38, 1-based): chr10:99,727,081, G>A on the plus strand (C>T on the coding strand, the complement: COX15 is on the minus strand). VCF-style: chr10-99727081-G-A. GRCh37 (hg19) VCF-style: chr10-101486838-G-A.
Other names: c.469C>T, p.Arg157Cys (NM_001320974.2, NM_001320975.2, NM_001372024.1 and 5 more transcripts); c.-59-10C>T (NM_001320976.2); short protein forms R157C.
Identifiers: ClinVar variation 2495167 (VCV002495167.4), dbSNP rs988250515, ClinGen allele CA212813534.
Genomic context (GRCh38, chr10:99,727,081, plus strand): 5'-TGAGCCAGCCCTTTCTCCAAAAGTAGGCAGCAGGCAGGATGTACACAAGGCCTACAAGGC[G>A]ACCCCACATTCGGTGTGAGTACTCCATGTACCAGATGAACTTGAATTCTGTCAGTGTCAT-3'
Protein context (NP_510870.1, residues 147-167): YMEYSHRMWG[Arg157Cys]LVGLVYILPA

ClinVar aggregate classification (germline): Conflicting classifications of pathogenicity. Review status: criteria provided, conflicting classifications (1 of 4 stars). 3 submissions from 3 submitters: Likely pathogenic (1); Uncertain significance (2). Last evaluated 2025-10-08.

Conditions:
Inborn genetic diseases. Identifiers: MedGen C0950123, MeSH D030342.
Cardioencephalomyopathy, fatal infantile, due to cytochrome c oxidase deficiency 2 (MC4DN6). Also called: MITOCHONDRIAL COMPLEX IV DEFICIENCY, NUCLEAR TYPE 6. Identifiers: Orphanet 1561, MedGen C3554534, MONDO:0014051, OMIM 615119.

Allele frequency attached by ClinVar (database versions not stated): gnomAD 0.00001; TOPMed 0.00003; gnomAD exomes below 0.00001.

Submissions (3):

Labcorp Genetics (formerly Invitae), Labcorp
Classification: Uncertain significance. Last evaluated: 2025-10-08. Review status: criteria provided, single submitter. Criteria: Invitae Variant Classification Sherloc (09022015). Collection method: clinical testing. Allele origin: germline.
Comment: This sequence change replaces arginine, which is basic and polar, with cysteine, which is neutral and slightly polar, at codon 157 of the COX15 protein (p.Arg157Cys). This variant is present in population databases (no rsID available, gnomAD 0.007%). This variant has not been reported in the literature in individuals affected with COX15-related conditions. ClinVar contains an entry for this variant (Variation ID: 2495167). An algorithm developed to predict the effect of missense changes on protein structure and function (PolyPhen-2) suggests that this variant is likely to be disruptive. Algorithms developed to predict the effect of sequence changes on RNA splicing suggest that this variant may disrupt the consensus splice site. In summary, the available evidence is currently insufficient to determine the role of this variant in disease. Therefore, it has been classified as a Variant of Uncertain Significance.

Service de Génétique Médicale, Centre Hospitalier Universitaire de Nice-Université Côte d'Azur
Classification: Likely pathogenic for Cardioencephalomyopathy, fatal infantile, due to cytochrome c oxidase deficiency 2. Last evaluated: 2024-02-27. Review status: criteria provided, single submitter. Criteria: ACMG Guidelines, 2015. Collection method: clinical testing. Allele origin: germline. Affected: yes.

Ambry Genetics
Classification: Uncertain significance for Inborn genetic diseases. Last evaluated: 2023-03-07. Review status: criteria provided, single submitter. Criteria: Ambry Variant Classification Scheme 2023. Collection method: clinical testing. Allele origin: germline.

Literature cited by the submitters: PubMed 38703036 (cited by Service de Génétique Médicale, Centre Hospitalier Universitaire de Nice-Université Côte d'Azur).